The following is an entry in ClinVar:

NM_001281740.3(FHOD3):c.3820del (p.Thr1274fs)

Gene: FHOD3 (formin homology 2 domain containing 3; plus strand). Cytogenetic location: 18q12.2.
Variant type: Deletion.
Coding change: c.3820del on transcript NM_001281740.3 (MANE Select); coding-DNA position 3820, one base deleted (A; older notation c.3820delA).
Protein change: p.Thr1274fs; shifts the reading frame from threonine 1274.
Molecular consequence: frameshift variant.
Genome position (GRCh38, 1-based): chr18:36,742,797, A deleted; the last of 4 consecutive A bases (chr18:36,742,794-36,742,797); deleting any one gives the same sequence. VCF-style (leftmost placement, unchanged base first): chr18-36742793-TA-T. GRCh37 (hg19) VCF-style: chr18-34322756-TA-T.
Other names: c.3244del, p.Thr1082fs (NM_001281739.3); c.3295del, p.Thr1099fs (NM_025135.5); short protein forms T1082fs, T1099fs, T1274fs.
Identifiers: ClinVar variation 3364992 (VCV003364992.1).

ClinVar aggregate classification (germline): Uncertain significance (1 of 4 stars; one submission).

Submission:

GeneDx
Classification: Uncertain significance. Last evaluated: 2023-12-05. Review status: criteria provided, single submitter. Criteria: GeneDx Variant Classification Process June 2021. Collection method: clinical testing. Allele origin: germline. Affected: yes.
Comment: Frameshift variant predicted to result in protein truncation or nonsense mediated decay in a gene or region of a gene for which loss of function is not a well-established mechanism of disease; Not observed at significant frequency in large population cohorts (gnomAD); Has not been previously published as pathogenic or benign to our knowledge